The following is an entry in ClinVar:

ClinVar aggregate classification (germline): Benign/Likely benign. Review status: criteria provided, multiple submitters, no conflicts (2 of 4 stars). 3 submissions from 3 submitters: Benign (1); Likely benign (1). 1 of the submissions does not count toward it. Last evaluated 2026-01-12.

Conditions:
AMER1-related disorder. Also called: AMER1-related condition.

Allele frequency attached by ClinVar (database versions not stated): ESP Exome Variant Server 0.00019; 1000 Genomes Project 30x 0.00021; gnomAD 0.00025 and 0.00026; 1000 Genomes Project 0.00026; gnomAD exomes 0.00026 and 0.00046; TOPMed 0.00029; ExAC 0.00033.
gnomAD v4.1: 526 of 1,210,892 alleles (0.043%); highest among the groups gnomAD compares: Non-Finnish European, 0.056%; no homozygotes.

Submissions (3):

Labcorp Genetics (formerly Invitae), Labcorp
Classification: Benign. Last evaluated: 2026-01-12. Review status: criteria provided, single submitter. Criteria: Invitae Variant Classification Sherloc (09022015). Collection method: clinical testing. Allele origin: germline.

Blueprint Genetics
Classification: Likely benign. Last evaluated: 2024-11-28. Review status: criteria provided, single submitter. Criteria: ACMG Guidelines, 2015. Collection method: clinical testing. Allele origin: germline.

PreventionGenetics, part of Exact Sciences
Classification: Likely benign for AMER1-related condition. Last evaluated: 2019-07-30. Review status: no assertion criteria provided. Collection method: clinical testing. Allele origin: germline. Not counted in ClinVar's aggregate classification.
Comment: This variant is classified as likely benign based on ACMG/AMP sequence variant interpretation guidelines (Richards et al. 2015 PMID: 25741868, with internal and published modifications).

NM_152424.4(AMER1):c.1611C>T (p.Asp537=)

Gene: AMER1 (APC membrane recruitment protein 1; minus strand). Cytogenetic location: Xq11.2.
Variant type: single nucleotide variant.
Coding change: c.1611C>T on transcript NM_152424.4 (MANE Select); coding-DNA position 1611, C replaced by T.
Protein change: p.Asp537=; no amino-acid change (aspartic acid 537 retained).
Molecular consequence: synonymous variant.
Genome position (GRCh38, 1-based): chrX:64,191,676, G>A on the plus strand (C>T on the coding strand, the complement: AMER1 is on the minus strand). VCF-style: chrX-64191676-G-A. GRCh37 (hg19) VCF-style: chrX-63411556-G-A.
Identifiers: ClinVar variation 713850 (VCV000713850.11), dbSNP rs141956374, ClinGen allele CA10432314.